The following is an entry in ClinVar:

ClinVar aggregate classification (germline): Pathogenic (1 of 4 stars; one submission).

Submission:

Labcorp Genetics (formerly Invitae), Labcorp
Classification: Pathogenic. Last evaluated: 2023-10-13. Review status: criteria provided, single submitter. Criteria: Invitae Variant Classification Sherloc (09022015). Collection method: clinical testing. Allele origin: germline.
Comment: This sequence change creates a premature translational stop signal (p.Ser907Leufs*14) in the TET2 gene. It is expected to result in an absent or disrupted protein product. Loss-of-function variants in TET2 are known to be pathogenic (PMID: 36066697). This variant is not present in population databases (gnomAD no frequency). This variant has not been reported in the literature in individuals affected with TET2-related conditions. For these reasons, this variant has been classified as Pathogenic.

Literature cited by the submitters: PubMed 36066697.

NM_001127208.3(TET2):c.2720del (p.Ser907fs)

Genes: TET2 (tet methylcytosine dioxygenase 2; plus strand), TET2-AS1 (TET2 antisense RNA 1; minus strand). Cytogenetic location: 4q24.
Variant type: Deletion.
Coding change: c.2720del on transcript NM_001127208.3 (MANE Select); coding-DNA position 2720, one base deleted (C; older notation c.2720delC).
Protein change: p.Ser907fs; shifts the reading frame from serine 907.
Molecular consequence: frameshift variant.
Genome position (GRCh38, 1-based): chr4:105,236,662, C deleted. VCF-style (leftmost placement, unchanged base first): chr4-105236661-TC-T. GRCh37 (hg19) VCF-style: chr4-106157818-TC-T.
Other names: c.2720del, p.Ser907fs (NM_017628.4); short protein forms S907fs.
Identifiers: ClinVar variation 2768009 (VCV002768009.3), dbSNP rs2476503281, ClinGen allele CA2671634182.